The following is an entry in ClinVar:

NM_001277115.2(DNAH11):c.3765+6C>G

Gene: DNAH11 (dynein axonemal heavy chain 11; plus strand). Cytogenetic location: 7p15.3.
Variant type: single nucleotide variant.
Coding change: c.3765+6C>G on transcript NM_001277115.2 (MANE Select); 6 bases into the intron after coding-DNA position 3765, C replaced by G.
Molecular consequence: intron variant.
Genome position (GRCh38, 1-based): chr7:21,606,548, C>G. VCF-style: chr7-21606548-C-G. GRCh37 (hg19) VCF-style: chr7-21646166-C-G.
Identifiers: ClinVar variation 3706158 (VCV003706158.2).
Genomic context (GRCh38, chr7:21,606,548, plus strand): 5'-ACCTCTCCATAATGCGGAAGTCACTCTTATAAGGAAAAAATGTATTTTGTTTGACGTAAG[C>G]TAGTTACCAAGTTTTTGTTTTAAGAAAGGTTTTACTAGGATAATTGAAGTATTTGTTTGA-3'

ClinVar aggregate classification (germline): Uncertain significance (1 of 4 stars; one submission).

Conditions:
Primary ciliary dyskinesia. Also called: Ciliary dyskinesia. Identifiers: Orphanet 244, MedGen C0008780, MONDO:0016575, HP:0012265.

gnomAD v4.1: 18 of 1,599,672 alleles (0.0011%); highest among the groups gnomAD compares: Admixed American, 0.0017%; no homozygotes.

Submission:

Labcorp Genetics (formerly Invitae), Labcorp
Classification: Uncertain significance for Primary ciliary dyskinesia. Last evaluated: 2025-10-05. Review status: criteria provided, single submitter. Criteria: Invitae Variant Classification Sherloc (09022015). Collection method: clinical testing. Allele origin: germline.
Comment: This sequence change falls in intron 19 of the DNAH11 gene. It does not directly change the encoded amino acid sequence of the DNAH11 protein. It affects a nucleotide within the consensus splice site. This variant is present in population databases (rs754512884, gnomAD 0.003%). This variant has not been reported in the literature in individuals affected with DNAH11-related conditions. ClinVar contains an entry for this variant (Variation ID: 3706158). Variants that disrupt the consensus splice site are a relatively common cause of aberrant splicing (PMID: 17576681, 9536098). Algorithms developed to predict the effect of sequence changes on RNA splicing suggest that this variant may disrupt the consensus splice site. In summary, the available evidence is currently insufficient to determine the role of this variant in disease. Therefore, it has been classified as a Variant of Uncertain Significance.

Literature cited by the submitters: PubMed 17576681; PubMed 9536098.